The following is an entry in ClinVar:

ClinVar aggregate classification (germline): Conflicting classifications of pathogenicity. Review status: criteria provided, conflicting classifications (1 of 4 stars). 2 submissions from 2 submitters: Uncertain significance (1); Likely benign (1). Last evaluated 2024-11-14.

Conditions:
Familial hypobetalipoproteinemia 1. Also called: APOB-Related Familial Hypobetalipoproteinemia; Hypobetalipoproteinemia, normotriglyceridemic; Acanthocytosis with hypobetalipoproteinemia. Identifiers: MedGen C4551990, MONDO:0014252, OMIM 615558.
Hypercholesterolemia, autosomal dominant, type B (FHCL2). Also called: Hyperlipoproteinemia Type IIb; Familial hypercholesterolemia 2; Familial Hypercholesterolemia Type B; APOLIPOPROTEIN B-100, FAMILIAL DEFECTIVE; APOLIPOPROTEIN B-100, FAMILIAL LIGAND-DEFECTIVE; HYPERCHOLESTEROLEMIA, FAMILIAL, DUE TO LIGAND-DEFECTIVE APOLIPOPROTEIN B. Identifiers: MedGen C1704417, MONDO:0007751, OMIM 144010.
Cardiovascular phenotype. Identifiers: MedGen CN230736.

Allele frequency attached by ClinVar (database versions not stated): gnomAD exomes below 0.00001; ExAC 0.00001; TOPMed 0.00002.
gnomAD v4.1: 2 of 1,614,026 alleles (0.00012%); highest among the groups gnomAD compares: Admixed American, 0.0033%; no homozygotes.

Submissions (2):

Labcorp Genetics (formerly Invitae), Labcorp
Classification: Likely benign for Familial hypobetalipoproteinemia 1; Hypercholesterolemia, autosomal dominant, type B. Last evaluated: 2024-11-14. Review status: criteria provided, single submitter. Criteria: Invitae Variant Classification Sherloc (09022015). Collection method: clinical testing. Allele origin: germline.

Ambry Genetics
Classification: Uncertain significance for Cardiovascular phenotype. Last evaluated: 2022-04-21. Review status: criteria provided, single submitter. Criteria: Ambry Variant Classification Scheme 2023. Collection method: clinical testing. Allele origin: germline.
Comment: The p.E2047G variant (also known as c.6140A>G), located in coding exon 26 of the APOB gene, results from an A to G substitution at nucleotide position 6140. The glutamic acid at codon 2047 is replaced by glycine, an amino acid with similar properties. This amino acid position is conserved. In addition, this alteration is predicted to be tolerated by in silico analysis. Since supporting evidence is limited at this time, the clinical significance of this alteration remains unclear.

NM_000384.3(APOB):c.6140A>G (p.Glu2047Gly)

Gene: APOB (apolipoprotein B; minus strand). Cytogenetic location: 2p24.1.
Variant type: single nucleotide variant.
Coding change: c.6140A>G on transcript NM_000384.3 (MANE Select); coding-DNA position 6140, A replaced by G.
Protein change: p.Glu2047Gly; replaces glutamic acid 2047 with glycine.
Molecular consequence: missense variant.
Genome position (GRCh38, 1-based): chr2:21,010,728, T>C on the plus strand (A>G on the coding strand, the complement: APOB is on the minus strand). VCF-style: chr2-21010728-T-C. GRCh37 (hg19) VCF-style: chr2-21233600-T-C.
Other names: short protein forms E2047G.
Identifiers: ClinVar variation 1751838 (VCV001751838.4), dbSNP rs759024254, ClinGen allele CA062937.
Genomic context (GRCh38, chr2:21,010,728, plus strand): 5'-TGAACATCTTGGTTTTTATCATACTTTACAAAAGCAACAATTGTAAATTCTTGGGGCTTC[T>C]CAACGGCATCTCTCATCTCTAAAGCATCAATGATATTGATGGGCTCACTGAGTAAAAGTG-3'
Protein context (NP_000375.3, residues 2037-2057): IDALEMRDAV[Glu2047Gly]KPQEFTIVAF